The following is an entry in ClinVar:

NM_024334.3(TMEM43):c.600_607del (p.Asp201fs)

Gene: TMEM43 (transmembrane protein 43; plus strand). Cytogenetic location: 3p25.1.
Variant type: Deletion.
Coding change: c.600_607del on transcript NM_024334.3 (MANE Select); coding-DNA positions 600 to 607, 8 bases deleted (CGACAACT; older notation c.600_607delCGACAACT).
Protein change: p.Asp201fs; shifts the reading frame from aspartic acid 201.
Molecular consequence: frameshift variant.
Genome position (GRCh38, 1-based): chr3:14,134,786-14,134,793, CGACAACT deleted; deleting any 8 consecutive bases within chr3:14,134,785-14,134,793 gives the same sequence; the c. name uses the placement nearest the transcript's 3' end. VCF-style (leftmost placement, unchanged base first): chr3-14134784-GTCGACAAC-G. GRCh37 (hg19) VCF-style: chr3-14176284-GTCGACAAC-G.
Other names: c.603_610del, p.Asp202fs (NM_001407274.1); c.600_607del, p.Asp201fs (NM_001407275.1, NM_001407276.1, NM_001407277.1 and 1 more transcripts); c.585_592del, p.Asp196fs (NM_001407278.1); c.450_457del, p.Asp151fs (NM_001407280.1); short protein forms D151fs, D196fs, D201fs, D202fs.
Identifiers: ClinVar variation 3071710 (VCV003071710.1), dbSNP rs2470187797, ClinGen allele CA2825001177.

ClinVar aggregate classification (germline): Uncertain significance (1 of 4 stars; one submission).

Conditions:
Arrhythmogenic right ventricular dysplasia 5. Also called: Arrhythmogenic Right Ventricular Dysplasia/Cardiomyopathy 5; ARRHYTHMOGENIC RIGHT VENTRICULAR DYSPLASIA, FAMILIAL, 5. Identifiers: MedGen C1858379, MONDO:0011459, OMIM 604400.

Submission:

All of Us Research Program, National Institutes of Health
Classification: Uncertain significance for Arrhythmogenic right ventricular dysplasia 5. Last evaluated: 2023-06-15. Review status: criteria provided, single submitter. Criteria: ACMG Guidelines, 2015. Collection method: clinical testing. Allele origin: germline. Inheritance: Autosomal dominant inheritance. Observed: 1 variant allele, 1 heterozygote.
Comment: This study involves interpretation of variants in research participants for the purpose of population health screening. Participant phenotype was not available at the time of variant classification. Additional details can be found in publication PMID: 35346344, PMCID: PMC8962531